The following is an entry in ClinVar:

NM_000038.6(APC):c.1744-722A>C

Gene: APC (APC regulator of WNT signaling pathway; plus strand). Cytogenetic location: 5q22.2.
Variant type: single nucleotide variant.
Coding change: c.1744-722A>C on transcript NM_000038.6 (MANE Select); 722 bases into the intron before coding-DNA position 1744, A replaced by C.
Molecular consequence: intron variant.
Genome position (GRCh38, 1-based): chr5:112,834,229, A>C. VCF-style: chr5-112834229-A-C. GRCh37 (hg19) VCF-style: chr5-112169926-A-C.
Other names: c.1744-722A>C (NM_001354895.2, NM_001127510.3); c.1774-722A>C (NM_001354897.2); c.1471-722A>C (NM_001354902.2); c.1690-722A>C (NM_001127511.3); c.1669-722A>C (NM_001354898.2); c.1366-722A>C (NM_001354904.2); c.895-722A>C (NM_001354906.2); c.1798-722A>C (NM_001354896.2); and 5 more.
Identifiers: ClinVar variation 82613 (VCV000082613.2), dbSNP rs76649307, ClinGen allele CA005945.

ClinVar aggregate classification (germline): other (0 of 4 stars; one submission).

Conditions:
Familial colorectal cancer. Identifiers: MedGen CN280943, MONDO:0023113. Disease mechanism: loss of function.

Submission:

Systems Biology Platform Zhejiang California International NanoSystems Institute
Classification: other for Familial colorectal cancer. Review status: no assertion criteria provided. Collection method: not provided. Allele origin: unknown.
ClinVar note: Converted during submission from cancer to other.